The following is an entry in ClinVar:

NM_006206.6(PDGFRA):c.824T>C (p.Leu275Ser)

Gene: PDGFRA (platelet derived growth factor receptor alpha; plus strand). Cytogenetic location: 4q12.
Variant type: single nucleotide variant.
Coding change: c.824T>C on transcript NM_006206.6 (MANE Select); coding-DNA position 824, T replaced by C.
Protein change: p.Leu275Ser; replaces leucine 275 with serine.
Molecular consequence: missense variant.
Genome position (GRCh38, 1-based): chr4:54,267,353, T>C. VCF-style: chr4-54267353-T-C. GRCh37 (hg19) VCF-style: chr4-55133520-T-C.
Other names: c.824T>C, p.Leu275Ser (NM_001347827.2, NM_001347829.2); c.899T>C, p.Leu300Ser (NM_001347828.2); c.863T>C, p.Leu288Ser (NM_001347830.2); short protein forms L275S, L288S, L300S.
Identifiers: ClinVar variation 1762628 (VCV001762628.2), dbSNP rs1433722204, ClinGen allele CA356891186.

ClinVar aggregate classification (germline): Uncertain significance (1 of 4 stars; one submission).

Conditions:
Hereditary cancer-predisposing syndrome. Also called: Neoplastic Syndromes, Hereditary; Tumor predisposition; Hereditary Cancer Syndrome; Hereditary neoplastic syndrome. Identifiers: Orphanet 140162, MedGen C0027672, MeSH D009386, MONDO:0015356.

Allele frequency attached by ClinVar (database versions not stated): gnomAD exomes below 0.00001.
gnomAD v4.1: 1 of 1,614,194 alleles (0.000062%); highest among the groups gnomAD compares: Admixed American, 0.0017%; no homozygotes.

Submission:

Ambry Genetics
Classification: Uncertain significance for Hereditary cancer-predisposing syndrome. Last evaluated: 2021-11-30. Review status: criteria provided, single submitter. Criteria: Ambry Variant Classification Scheme 2023. Collection method: clinical testing. Allele origin: germline.
Comment: The p.L275S variant (also known as c.824T>C), located in coding exon 5 of the PDGFRA gene, results from a T to C substitution at nucleotide position 824. The leucine at codon 275 is replaced by serine, an amino acid with dissimilar properties. This amino acid position is conserved. In addition, this alteration is predicted to be deleterious by in silico analysis. Since supporting evidence is limited at this time, the clinical significance of this alteration remains unclear.